The following is an entry in ClinVar:

ClinVar aggregate classification (germline): Uncertain significance. Review status: criteria provided, multiple submitters, no conflicts (2 of 4 stars). 3 submissions from 3 submitters: Uncertain significance (3). Last evaluated 2023-12-15.

Conditions:
Inborn genetic diseases. Identifiers: MedGen C0950123, MeSH D030342.
Epidermolysis bullosa simplex 5B, with muscular dystrophy (EBS5B). Also called: EPIDERMOLYSIS BULLOSA SIMPLEX AND LIMB-GIRDLE MUSCULAR DYSTROPHY; Epidermolysis bullosa simplex with muscular dystrophy. Identifiers: Orphanet 257, MedGen C2931072, MONDO:0009181, OMIM 226670.
Epidermolysis bullosa simplex, Ogna type (EBS5A). Also called: Pidermolysis bullosa simplex 5A, Ogna type; EPIDERMOLYSIS BULLOSA SIMPLEX 5A, OGNA TYPE. Identifiers: Orphanet 79401, MedGen C0432317, MONDO:0007555, OMIM 131950.
Autosomal recessive limb-girdle muscular dystrophy type 2Q (LGMDR17). Also called: MUSCULAR DYSTROPHY, LIMB-GIRDLE, AUTOSOMAL RECESSIVE 17. Identifiers: Orphanet 254361, MedGen C3150989, MONDO:0013390, OMIM 613723.
Epidermolysis bullosa simplex 5C, with pyloric atresia (EBS5C). Also called: Epidermolysis bullosa simplex with pyloric atresia; PLEC1-Related Epidermolysis Bullosa with Pyloric Atresia; PLEC-Related Epidermolysis Bullosa with Pyloric Atresia. Identifiers: Orphanet 158684, MedGen C2677349, MONDO:0012807, OMIM 612138.
Epidermolysis bullosa simplex with nail dystrophy (EBS5D). Identifiers: MedGen C4225309, MONDO:0014661, OMIM 616487.

Allele frequency attached by ClinVar (database versions not stated): gnomAD 0.00009 and 0.00010; gnomAD exomes 0.00010 and 0.00014; TOPMed 0.00014; 1000 Genomes Project 0.00040; 1000 Genomes Project 30x 0.00047; ExAC 0.00052.
gnomAD v4.1: 159 of 1,559,456 alleles (0.01%); highest among the groups gnomAD compares: Non-Finnish European, 0.012%; no homozygotes.

Submissions (3):

Ambry Genetics
Classification: Uncertain significance for Inborn genetic diseases. Last evaluated: 2023-12-15. Review status: criteria provided, single submitter. Criteria: Ambry Variant Classification Scheme 2023. Collection method: clinical testing. Allele origin: germline.

Labcorp Genetics (formerly Invitae), Labcorp
Classification: Uncertain significance for Autosomal recessive limb-girdle muscular dystrophy type 2Q; Epidermolysis bullosa simplex, Ogna type; Epidermolysis bullosa simplex with nail dystrophy; Epidermolysis bullosa simplex 5C, with pyloric atresia; Epidermolysis bullosa simplex 5B, with muscular dystrophy. Last evaluated: 2022-03-18. Review status: criteria provided, single submitter. Criteria: Invitae Variant Classification Sherloc (09022015). Collection method: clinical testing. Allele origin: germline.
Comment: This sequence change replaces alanine, which is neutral and non-polar, with threonine, which is neutral and polar, at codon 2084 of the PLEC protein (p.Ala2084Thr). This variant is present in population databases (rs542184546, gnomAD 0.02%). This variant has not been reported in the literature in individuals affected with PLEC-related conditions. ClinVar contains an entry for this variant (Variation ID: 500909). Algorithms developed to predict the effect of missense changes on protein structure and function output the following: SIFT: "Tolerated"; PolyPhen-2: "Benign"; Align-GVGD: "Class C0". The threonine amino acid residue is found in multiple mammalian species, which suggests that this missense change does not adversely affect protein function. In summary, the available evidence is currently insufficient to determine the role of this variant in disease. Therefore, it has been classified as a Variant of Uncertain Significance.

Eurofins Ntd Llc (ga)
Classification: Uncertain significance. Last evaluated: 2017-03-23. Review status: criteria provided, single submitter. Criteria: EGL Classification Definitions 2015. Collection method: clinical testing. Allele origin: germline. Observed: 3 variant alleles, 3 heterozygotes.

NM_201384.3(PLEC):c.6169G>A (p.Ala2057Thr)

Gene: PLEC (plectin; minus strand). Cytogenetic location: 8q24.3.
Variant type: single nucleotide variant.
Coding change: c.6169G>A on transcript NM_201384.3 (MANE Select); coding-DNA position 6169, G replaced by A.
Protein change: p.Ala2057Thr; replaces alanine 2057 with threonine.
Molecular consequence: missense variant.
Genome position (GRCh38, 1-based): chr8:143,923,760, C>T on the plus strand (G>A on the coding strand, the complement: PLEC is on the minus strand). VCF-style: chr8-143923760-C-T. GRCh37 (hg19) VCF-style: chr8-144997928-C-T.
Other names: c.6250G>A, p.Ala2084Thr (NM_000445.5); c.6127G>A, p.Ala2043Thr (NM_201378.4); c.6103G>A, p.Ala2035Thr (NM_201379.3); c.6580G>A, p.Ala2194Thr (NM_201380.4); c.6073G>A, p.Ala2025Thr (NM_201381.3); c.6169G>A, p.Ala2057Thr (NM_201382.4); c.6181G>A, p.Ala2061Thr (NM_201383.3); c.6250G>A (NM_000445.3); short protein forms A2025T, A2035T, A2043T, A2057T, A2061T, A2084T, A2194T.
Identifiers: ClinVar variation 500909 (VCV000500909.11), dbSNP rs542184546, ClinGen allele CA4926089.
Genomic context (GRCh38, chr8:143,923,760, plus strand): 5'-CCAGCACGCTCTGCTCCTGCTGCAGCGTCTGCTGTAGCTCCTGCTCCTTCTGCTGCACCG[C>T]GAAGGCGTGTGCCTTCTCTTCCGCCTGCAGCCGCTTCTGGGCGGCCTCCTGGGCCAGCTG-3'
Protein context (NP_958786.1, residues 2047-2067): LQAEEKAHAF[Ala2057Thr]VQQKEQELQQ